The following is an entry in ClinVar:

NM_020708.5(SLC12A5):c.601G>A (p.Glu201Lys)

Gene: SLC12A5 (solute carrier family 12 member 5; plus strand). Cytogenetic location: 20q13.12.
Variant type: single nucleotide variant.
Coding change: c.601G>A on transcript NM_020708.5 (MANE Select); coding-DNA position 601, G replaced by A.
Protein change: p.Glu201Lys; replaces glutamic acid 201 with lysine.
Molecular consequence: missense variant.
Genome position (GRCh38, 1-based): chr20:46,037,374, G>A. VCF-style: chr20-46037374-G-A. GRCh37 (hg19) VCF-style: chr20-44666013-G-A.
Other names: c.670G>A, p.Glu224Lys (NM_001134771.2); short protein forms E224K, E201K.
Identifiers: ClinVar variation 1472906 (VCV001472906.5), dbSNP rs868598822, ClinGen allele CA315633069.
Genomic context (GRCh38, chr20:46,037,374, plus strand): 5'-GGCCTCTGCTTCTACCTGGGCACTACCTTTGCAGGAGCCATGTACATCCTGGGCACCATC[G>A]AAATCCTGCTGGTAAGAGAGGCTGAGGAGGAGGTGTGGAACCCCAGGTTGTCAGTCAGTT-3'
Protein context (NP_065759.1, residues 191-211): AGAMYILGTI[Glu201Lys]ILLAYLFPAM

ClinVar aggregate classification (germline): Uncertain significance (1 of 4 stars; one submission).

Conditions:
Developmental and epileptic encephalopathy, 34 (DEE34). Also called: Early infantile epileptic encephalopathy 34; SLC12A5-Related Epilepsy of Infancy with Migrating Focal Seizures. Identifiers: Orphanet 293181, MedGen C4225257, MONDO:0014718, OMIM 616645.

Submission:

Labcorp Genetics (formerly Invitae), Labcorp
Classification: Uncertain significance for Developmental and epileptic encephalopathy, 34. Last evaluated: 2022-03-19. Review status: criteria provided, single submitter. Criteria: Invitae Variant Classification Sherloc (09022015). Collection method: clinical testing. Allele origin: germline.
Comment: This sequence change replaces glutamic acid, which is acidic and polar, with lysine, which is basic and polar, at codon 201 of the SLC12A5 protein (p.Glu201Lys). This variant is not present in population databases (gnomAD no frequency). This variant has not been reported in the literature in individuals affected with SLC12A5-related conditions. Advanced modeling of protein sequence and biophysical properties (such as structural, functional, and spatial information, amino acid conservation, physicochemical variation, residue mobility, and thermodynamic stability) performed at Invitae indicates that this missense variant is expected to disrupt SLC12A5 protein function. In summary, the available evidence is currently insufficient to determine the role of this variant in disease. Therefore, it has been classified as a Variant of Uncertain Significance.